The following is an entry in ClinVar:

NM_003072.5(SMARCA4):c.365C>A (p.Ser122Ter)

Gene: SMARCA4 (SWI/SNF related BAF chromatin remodeling complex subunit ATPase 4; plus strand). Cytogenetic location: 19p13.2.
Variant type: single nucleotide variant.
Coding change: c.365C>A on transcript NM_003072.5 (MANE Select); coding-DNA position 365, C replaced by A.
Protein change: p.Ser122Ter; replaces serine 122 with a stop codon.
Molecular consequence: nonsense. On other transcripts: non-coding transcript variant (1).
Genome position (GRCh38, 1-based): chr19:10,986,198, C>A. VCF-style: chr19-10986198-C-A. GRCh37 (hg19) VCF-style: chr19-11096874-C-A.
Other names: c.365C>A, p.Ser122Ter (NM_001128844.3, NM_001128845.2, NM_001128846.2 and 4 more transcripts); short protein forms S122*.
Identifiers: ClinVar variation 861042 (VCV000861042.8), dbSNP rs1555752859, ClinGen allele CA404055582.
Genomic context (GRCh38, chr19:10,986,198, plus strand): 5'-AATCACAGACATATGCTGCCGAGTGACCAGTGGGCTGACCTTTCTCTGCAGGTTACCCCT[C>A]GCCCCTGGGTGGCTCTGAGCATGCCTCTAGTCCAGTTCCAGCCAGTGGCCCGTCTTCGGG-3'

ClinVar aggregate classification (germline): Pathogenic. Review status: criteria provided, multiple submitters, no conflicts (2 of 4 stars). 2 submissions from 2 submitters: Pathogenic (2). Last evaluated 2026-04-08.

Conditions:
Rhabdoid tumor predisposition syndrome 2 (RTPS2). Identifiers: Orphanet 231108, Orphanet 69077, MedGen C2750074, MONDO:0013224, OMIM 613325.

gnomAD v4.1: 1 of 1,613,774 alleles (0.000062%); highest among the groups gnomAD compares: Non-Finnish European, 0.000085%; no homozygotes.

Submissions (2):

Myriad Genetics, Inc.
Classification: Pathogenic for Rhabdoid tumor predisposition syndrome 2. Last evaluated: 2026-04-08. Review status: criteria provided, single submitter. Criteria: Myriad Autosomal Dominant, Autosomal Recessive and X-Linked Classification Criteria (2023). Collection method: clinical testing. Allele origin: unknown.
Comment: This variant is considered pathogenic. This variant creates a termination codon and is predicted to result in premature protein truncation.

Labcorp Genetics (formerly Invitae), Labcorp
Classification: Pathogenic for Rhabdoid tumor predisposition syndrome 2. Last evaluated: 2019-01-09. Review status: criteria provided, single submitter. Criteria: Invitae Variant Classification Sherloc (09022015). Collection method: clinical testing. Allele origin: germline.
Comment: For these reasons, this variant has been classified as Pathogenic. Loss-of-function variants in SMARCA4 are known to be pathogenic (PMID: 24658001, 24658002). This variant has not been reported in the literature in individuals with SMARCA4-related conditions. This variant is not present in population databases (ExAC no frequency). This sequence change creates a premature translational stop signal (p.Ser122*) in the SMARCA4 gene. It is expected to result in an absent or disrupted protein product.

Literature cited by the submitters: PubMed 24658001 (cited by Labcorp Genetics (formerly Invitae), Labcorp); PubMed 24658002 (cited by Labcorp Genetics (formerly Invitae), Labcorp).